The following is an entry in ClinVar:

ClinVar aggregate classification (germline): Pathogenic (1 of 4 stars; one submission).

Conditions:
Peroxisome biogenesis disorder. Identifiers: Orphanet 79189, MedGen C1832200, MONDO:0019234. Disease mechanism: loss of function.

Submission:

Labcorp Genetics (formerly Invitae), Labcorp
Classification: Pathogenic for Peroxisome biogenesis disorder. Last evaluated: 2023-12-19. Review status: criteria provided, single submitter. Criteria: Invitae Variant Classification Sherloc (09022015). Collection method: clinical testing. Allele origin: unknown.
Comment: This variant is a gross deletion of the genomic region encompassing exon(s) 8 of the PEX6 gene. This deletion is out-of-frame, and is expected to create a premature termination codon and result in an absent or disrupted protein product. Loss-of-function variants in PEX6 are known to be pathogenic (PMID: 10408779, 21031596, 31831025). This variant has not been reported in the literature in individuals affected with PEX6-related conditions. For these reasons, this variant has been classified as Pathogenic.

Literature cited by the submitters: PubMed 10408779; PubMed 21031596; PubMed 31831025.

NC_000006.11:g.(?_42935086)_(42935321_?)del

Gene: PEX6 (peroxisomal biogenesis factor 6; minus strand). Cytogenetic location: 6p21.1.
Variant type: Deletion.
Identifiers: ClinVar variation 3245996 (VCV003245996.1).